The following is an entry in ClinVar:

ClinVar aggregate classification (germline): Uncertain significance. Review status: criteria provided, multiple submitters, no conflicts (2 of 4 stars). 2 submissions from 2 submitters: Uncertain significance (2). Last evaluated 2026-02-21.

Conditions:
Inborn genetic diseases. Identifiers: MedGen C0950123, MeSH D030342.

Submissions (2):

GeneDx
Classification: Uncertain significance. Last evaluated: 2026-02-21. Review status: criteria provided, single submitter. Criteria: GeneDx Variant Classification Process June 2021. Collection method: clinical testing. Allele origin: germline.
Comment: Not observed at significant frequency in large population cohorts (gnomAD); In silico analysis suggests that this missense variant does not alter protein structure/function; Has not been previously published as pathogenic or benign to our knowledge; This variant is associated with the following publications: (PMID: 28545555)

Ambry Genetics
Classification: Uncertain significance for Inborn genetic diseases. Last evaluated: 2025-10-26. Review status: criteria provided, single submitter. Criteria: Ambry Variant Classification Scheme 2023. Collection method: clinical testing. Allele origin: germline.
Comment: The p.H464Y variant (also known as c.1390C>T), located in coding exon 1 of the SAMD9 gene, results from a C to T substitution at nucleotide position 1390. The histidine at codon 464 is replaced by tyrosine, an amino acid with similar properties. This amino acid position is conserved. In addition, this alteration is predicted to be tolerated by in silico analysis. Based on the available evidence, the clinical significance of this variant remains unclear.

NM_017654.4(SAMD9):c.1390C>T (p.His464Tyr)

Gene: SAMD9 (sterile alpha motif domain containing 9; minus strand). Cytogenetic location: 7q21.2.
Variant type: single nucleotide variant.
Coding change: c.1390C>T on transcript NM_017654.4 (MANE Select); coding-DNA position 1390, C replaced by T.
Protein change: p.His464Tyr; replaces histidine 464 with tyrosine.
Molecular consequence: missense variant.
Genome position (GRCh38, 1-based): chr7:93,104,708, G>A on the plus strand (C>T on the coding strand, the complement: SAMD9 is on the minus strand). VCF-style: chr7-93104708-G-A. GRCh37 (hg19) VCF-style: chr7-92734021-G-A.
Other names: c.1390C>T, p.His464Tyr (NM_001193307.2); short protein forms H464Y.
Identifiers: ClinVar variation 4629904 (VCV004629904.2).